The following is an entry in ClinVar:

ClinVar aggregate classification (germline): Uncertain significance. Review status: criteria provided, multiple submitters, no conflicts (2 of 4 stars). 2 submissions from 2 submitters: Uncertain significance (2). Last evaluated 2026-01-05.

Conditions:
Inborn genetic diseases. Identifiers: MedGen C0950123, MeSH D030342.

Allele frequency attached by ClinVar (database versions not stated): gnomAD 0.00001; ExAC 0.00002; TOPMed 0.00002; gnomAD exomes 0.00003.
gnomAD v4.1: 44 of 1,613,918 alleles (0.0027%); highest among the groups gnomAD compares: East Asian, 0.018%; no homozygotes.

Submissions (2):

Labcorp Genetics (formerly Invitae), Labcorp
Classification: Uncertain significance. Last evaluated: 2026-01-05. Review status: criteria provided, single submitter. Criteria: Invitae Variant Classification Sherloc (09022015). Collection method: clinical testing. Allele origin: germline.
Comment: This sequence change replaces proline, which is neutral and non-polar, with leucine, which is neutral and non-polar, at codon 658 of the BMPER protein (p.Pro658Leu). This variant is present in population databases (rs773516778, gnomAD 0.006%). This variant has not been reported in the literature in individuals affected with BMPER-related conditions. ClinVar contains an entry for this variant (Variation ID: 2187928). Invitae Evidence Modeling of protein sequence and biophysical properties (such as structural, functional, and spatial information, amino acid conservation, physicochemical variation, residue mobility, and thermodynamic stability) has been performed for this missense variant. However, the output from this modeling did not meet the statistical confidence thresholds required to predict the impact of this variant on BMPER protein function. In summary, the available evidence is currently insufficient to determine the role of this variant in disease. Therefore, it has been classified as a Variant of Uncertain Significance.

Ambry Genetics
Classification: Uncertain significance for Inborn genetic diseases. Last evaluated: 2023-12-11. Review status: criteria provided, single submitter. Criteria: Ambry Variant Classification Scheme 2023. Collection method: clinical testing. Allele origin: germline.

NM_001365308.1(BMPER):c.1973C>T (p.Pro658Leu)

Gene: BMPER (BMP binding endothelial regulator; plus strand). Cytogenetic location: 7p14.3.
Variant type: single nucleotide variant.
Coding change: c.1973C>T on transcript NM_001365308.1 (MANE Select); coding-DNA position 1973, C replaced by T.
Protein change: p.Pro658Leu; replaces proline 658 with leucine.
Molecular consequence: missense variant.
Genome position (GRCh38, 1-based): chr7:34,153,188, C>T. VCF-style: chr7-34153188-C-T. GRCh37 (hg19) VCF-style: chr7-34192800-C-T.
Other names: c.1643C>T, p.Pro548Leu (NM_001410872.1); c.1973C>T, p.Pro658Leu (NM_133468.5); c.1973C>T (NM_133468.3); short protein forms P548L, P658L.
Identifiers: ClinVar variation 2187928 (VCV002187928.3), dbSNP rs773516778, ClinGen allele CA4215582.